The following is an entry in ClinVar:

ClinVar aggregate classification (germline): Uncertain significance (1 of 4 stars; one submission).

Submission:

GeneDx
Classification: Uncertain significance. Last evaluated: 2016-06-02. Review status: criteria provided, single submitter. Criteria: GeneDx Variant Classification (06012015). Collection method: clinical testing. Allele origin: germline. Affected: yes.
Comment: The Q2173H variant in the ARID1B gene has not been reported previously as a pathogenic variant, nor as a benign variant, to our knowledge. The Q2173H variant was not observed in approximately 6,500 individuals of European and African American ancestry in the NHLBI Exome Sequencing Project, indicating it is not a common benign variant in these populations. The Q2173H variant is a semi-conservative amino acid substitution, which may impact secondary protein structure as these residues differ in some properties. This substitution occurs at a position that is conserved across species. In silico analysis predicts this variant is probably damaging to the protein structure/function. We interpret Q2173H as a variant of uncertain significance.

NM_001374828.1(ARID1B):c.6888G>C (p.Gln2296His)

Gene: ARID1B (AT-rich interaction domain 1B; plus strand). Cytogenetic location: 6q25.3.
Variant type: single nucleotide variant.
Coding change: c.6888G>C on transcript NM_001374828.1 (MANE Select); coding-DNA position 6888, G replaced by C.
Protein change: p.Gln2296His; replaces glutamine 2296 with histidine.
Molecular consequence: missense variant.
Genome position (GRCh38, 1-based): chr6:157,207,660, G>C. VCF-style: chr6-157207660-G-C. GRCh37 (hg19) VCF-style: chr6-157528794-G-C.
Other names: c.6519G>C, p.Gln2173His (NM_020732.3); c.4389G>C, p.Gln1463His (NM_001363725.2); c.6768G>C, p.Gln2256His (NM_001371656.1, NM_001374820.1); c.6729G>C, p.Gln2243His (NM_017519.3); short protein forms Q2173H, Q1463H, Q2243H, Q2256H, Q2296H.
Identifiers: ClinVar variation 386787 (VCV000386787.2), dbSNP rs1057522604, ClinGen allele CA16605490.